The following is an entry in ClinVar:

NM_020738.4(KIDINS220):c.3590C>T (p.Ser1197Leu)

Gene: KIDINS220 (kinase D interacting substrate 220; minus strand). Cytogenetic location: 2p25.1.
Variant type: single nucleotide variant.
Coding change: c.3590C>T on transcript NM_020738.4 (MANE Select); coding-DNA position 3590, C replaced by T.
Protein change: p.Ser1197Leu; replaces serine 1197 with leucine.
Molecular consequence: missense variant. On other transcripts: non-coding transcript variant (2).
Genome position (GRCh38, 1-based): chr2:8,736,995, G>A on the plus strand (C>T on the coding strand, the complement: KIDINS220 is on the minus strand). VCF-style: chr2-8736995-G-A. GRCh37 (hg19) VCF-style: chr2-8877125-G-A.
Other names: c.3593C>T, p.Ser1198Leu (NM_001348729.2); c.3536C>T, p.Ser1179Leu (NM_001348731.2); c.3533C>T, p.Ser1178Leu (NM_001348732.2, NM_001348738.2); c.3422C>T, p.Ser1141Leu (NM_001348734.2, NM_001348739.2, NM_001348740.2); c.3419C>T, p.Ser1140Leu (NM_001348735.2, NM_001348741.2, NM_001348742.2 and 1 more transcripts); c.3293C>T, p.Ser1098Leu (NM_001348736.2); short protein forms S1141L, S1198L, S1178L, S1179L, S1197L, S1098L, S1140L.
Identifiers: ClinVar variation 1940154 (VCV001940154.29), dbSNP rs766111507, ClinGen allele CA1519573.

ClinVar aggregate classification (germline): Uncertain significance. Review status: criteria provided, multiple submitters, no conflicts (2 of 4 stars). 2 submissions from 2 submitters: Uncertain significance (2). Last evaluated 2023-09-01.

Allele frequency attached by ClinVar (database versions not stated): gnomAD exomes below 0.00001; ExAC 0.00001; gnomAD 0.00001; TOPMed 0.00001.
gnomAD v4.1: 4 of 1,613,864 alleles (0.00025%); highest among the groups gnomAD compares: African/African-American, 0.0013%; no homozygotes.

Submissions (2):

CeGaT Center for Human Genetics Tuebingen
Classification: Uncertain significance. Last evaluated: 2023-09-01. Review status: criteria provided, single submitter. Criteria: CeGaT Center For Human Genetics Tuebingen Variant Classification Criteria Version 2. Collection method: clinical testing. Allele origin: germline. Affected: yes. Observed: 1 variant allele.
Comment: KIDINS220: PM2, BP4

Labcorp Genetics (formerly Invitae), Labcorp
Classification: Uncertain significance. Last evaluated: 2022-05-01. Review status: criteria provided, single submitter. Criteria: Invitae Variant Classification Sherloc (09022015). Collection method: clinical testing. Allele origin: germline.
Comment: In summary, the available evidence is currently insufficient to determine the role of this variant in disease. Therefore, it has been classified as a Variant of Uncertain Significance. Algorithms developed to predict the effect of missense changes on protein structure and function are either unavailable or do not agree on the potential impact of this missense change (SIFT: "Deleterious"; PolyPhen-2: "Benign"; Align-GVGD: "Class C0"). This variant has not been reported in the literature in individuals affected with KIDINS220-related conditions. This variant is present in population databases (rs766111507, gnomAD 0.004%). This sequence change replaces serine, which is neutral and polar, with leucine, which is neutral and non-polar, at codon 1197 of the KIDINS220 protein (p.Ser1197Leu).